The following is an entry in ClinVar:

NC_000002.11:g.(?_44200736)_(44223096_?)del

Gene: LRPPRC (leucine rich pentatricopeptide repeat containing; minus strand). Cytogenetic location: 2p21.
Variant type: Deletion.
Identifiers: ClinVar variation 1459192 (VCV001459192.4).

ClinVar aggregate classification (germline): Pathogenic (1 of 4 stars; one submission).

Submission:

Labcorp Genetics (formerly Invitae), Labcorp
Classification: Pathogenic. Last evaluated: 2020-12-13. Review status: criteria provided, single submitter. Criteria: Invitae Variant Classification Sherloc (09022015). Collection method: clinical testing. Allele origin: germline.
Comment: For these reasons, this variant has been classified as Pathogenic. This variant has not been reported in the literature in individuals with LRPPRC-related conditions. This variant is a gross deletion of the genomic region encompassing exon(s) 1-11 of the LRPPRC gene, which includes the initiator codon. The 5' end of this event is unknown as it extends beyond the assayed region for this gene and therefore may encompass additional genes. The 3' boundary is likely confined to intron 11 of the LRPPRC gene. It is expected to result in an absent or disrupted protein product. Loss-of-function variants in LRPPRC are known to be pathogenic (PMID: 26510951).

Literature cited by the submitters: PubMed 26510951.